The following is an entry in ClinVar:

ClinVar aggregate classification (germline): Uncertain significance (1 of 4 stars; one submission).

Submission:

GeneDx
Classification: Uncertain significance. Last evaluated: 2025-03-10. Review status: criteria provided, single submitter. Criteria: GeneDx Variant Classification Process June 2021. Collection method: clinical testing. Allele origin: germline. Affected: yes.
Comment: Not observed at significant frequency in large population cohorts (gnomAD); In silico analysis indicates that this missense variant does not alter protein structure/function; Has not been previously published as pathogenic or benign to our knowledge

NM_002474.3(MYH11):c.4084C>G (p.Leu1362Val)

Genes: MYH11 (myosin heavy chain 11; minus strand), NDE1 (nudE neurodevelopment protein 1; plus strand). Cytogenetic location: 16p13.11.
Variant type: single nucleotide variant.
Coding change: c.4084C>G on transcript NM_002474.3 (MANE Select); coding-DNA position 4084, C replaced by G.
Protein change: p.Leu1362Val; replaces leucine 1362 with valine.
Molecular consequence: missense variant. On other transcripts: 3 prime UTR variant (2).
Genome position (GRCh38, 1-based): chr16:15,724,679, G>C on the plus strand (C>G on the coding strand, the complement: MYH11 is on the minus strand). VCF-style: chr16-15724679-G-C. GRCh37 (hg19) VCF-style: chr16-15818536-G-C.
Other names: c.4105C>G, p.Leu1369Val (NM_001040113.2, NM_001040114.2); c.4084C>G, p.Leu1362Val (NM_022844.3); c.*428G>C (NM_001143979.2, NM_017668.3); short protein forms L1362V, L1369V.
Identifiers: ClinVar variation 4083131 (VCV004083131.1).